The following is an entry in ClinVar:

ClinVar aggregate classification (germline): Uncertain significance. Review status: criteria provided, multiple submitters, no conflicts (2 of 4 stars). 2 submissions from 2 submitters: Uncertain significance (2). Last evaluated 2024-08-27.

Conditions:
Primary ciliary dyskinesia. Also called: Ciliary dyskinesia. Identifiers: Orphanet 244, MedGen C0008780, MONDO:0016575, HP:0012265.

Allele frequency attached by ClinVar (database versions not stated): gnomAD 0.00002 and 0.00003; gnomAD exomes 0.00006 and 0.00011; TOPMed 0.00007; ExAC 0.00013.
gnomAD v4.1: 93 of 1,614,004 alleles (0.0058%); highest among the groups gnomAD compares: South Asian, 0.04%; 2 homozygotes.

Submissions (2):

Ambry Genetics
Classification: Uncertain significance for Primary ciliary dyskinesia. Last evaluated: 2024-08-27. Review status: criteria provided, single submitter. Criteria: Ambry Variant Classification Scheme 2023. Collection method: clinical testing. Allele origin: germline.

Labcorp Genetics (formerly Invitae), Labcorp
Classification: Uncertain significance for Primary ciliary dyskinesia. Last evaluated: 2022-04-23. Review status: criteria provided, single submitter. Criteria: Invitae Variant Classification Sherloc (09022015). Collection method: clinical testing. Allele origin: germline.
Comment: This sequence change replaces valine, which is neutral and non-polar, with methionine, which is neutral and non-polar, at codon 755 of the DNAAF5 protein (p.Val755Met). This variant is present in population databases (rs777468194, gnomAD 0.05%). This variant has not been reported in the literature in individuals affected with DNAAF5-related conditions. ClinVar contains an entry for this variant (Variation ID: 1001606). Algorithms developed to predict the effect of missense changes on protein structure and function are either unavailable or do not agree on the potential impact of this missense change (SIFT: "Tolerated"; PolyPhen-2: "Possibly Damaging"; Align-GVGD: "Class C0"). In summary, the available evidence is currently insufficient to determine the role of this variant in disease. Therefore, it has been classified as a Variant of Uncertain Significance.

NM_017802.4(DNAAF5):c.2263G>A (p.Val755Met)

Gene: DNAAF5 (dynein axonemal assembly factor 5; plus strand). Cytogenetic location: 7p22.3.
Variant type: single nucleotide variant.
Coding change: c.2263G>A on transcript NM_017802.4 (MANE Select); coding-DNA position 2263, G replaced by A.
Protein change: p.Val755Met; replaces valine 755 with methionine.
Molecular consequence: missense variant. On other transcripts: non-coding transcript variant (1).
Genome position (GRCh38, 1-based): chr7:779,976, G>A. VCF-style: chr7-779976-G-A. GRCh37 (hg19) VCF-style: chr7-819613-G-A.
Other names: short protein forms V755M.
Identifiers: ClinVar variation 1001606 (VCV001001606.9), dbSNP rs777468194, ClinGen allele CA4111155.